The following is an entry in ClinVar:

ClinVar aggregate classification (germline): Pathogenic (1 of 4 stars; one submission).

Conditions:
Charcot-Marie-Tooth disease type 4. Also called: Charcot-Marie-Tooth disease, type IV; Charcot-Marie-Tooth, Type 4. Identifiers: Orphanet 64749, MedGen C4082197, MONDO:0018995.

Submission:

Labcorp Genetics (formerly Invitae), Labcorp
Classification: Pathogenic for Charcot-Marie-Tooth disease type 4. Last evaluated: 2021-04-23. Review status: criteria provided, single submitter. Criteria: Invitae Variant Classification Sherloc (09022015). Collection method: clinical testing. Allele origin: germline.
Comment: This sequence change creates a premature translational stop signal (p.Lys443*) in the FIG4 gene. It is expected to result in an absent or disrupted protein product. Loss-of-function variants in FIG4 are known to be pathogenic (PMID: 23623387). For these reasons, this variant has been classified as Pathogenic. Algorithms developed to predict the effect of sequence changes on RNA splicing suggest that this variant may create or strengthen a splice site, but this prediction has not been confirmed by published transcriptional studies. This variant has not been reported in the literature in individuals with FIG4-related conditions. This variant is not present in population databases (ExAC no frequency).

Literature cited by the submitters: PubMed 23623387.

NM_014845.6(FIG4):c.1327A>T (p.Lys443Ter)

Gene: FIG4 (FIG4 phosphoinositide 5-phosphatase; plus strand). Cytogenetic location: 6q21.
Variant type: single nucleotide variant.
Coding change: c.1327A>T on transcript NM_014845.6 (MANE Select); coding-DNA position 1327, A replaced by T.
Protein change: p.Lys443Ter; replaces lysine 443 with a stop codon.
Molecular consequence: nonsense.
Genome position (GRCh38, 1-based): chr6:109,762,146, A>T. VCF-style: chr6-109762146-A-T. GRCh37 (hg19) VCF-style: chr6-110083349-A-T.
Other names: short protein forms K443*.
Identifiers: ClinVar variation 1427728 (VCV001427728.6), dbSNP rs2128391439, ClinGen allele CA365226197.